The following is an entry in ClinVar:

ClinVar aggregate classification (germline): Uncertain significance (1 of 4 stars; one submission).

Allele frequency attached by ClinVar (database versions not stated): TOPMed below 0.00001; gnomAD exomes 0.00001.
gnomAD v4.1: 7 of 1,613,760 alleles (0.00043%); highest among the groups gnomAD compares: Non-Finnish European, 0.00042%; no homozygotes.

Submission:

Labcorp Genetics (formerly Invitae), Labcorp
Classification: Uncertain significance. Last evaluated: 2022-08-23. Review status: criteria provided, single submitter. Criteria: Invitae Variant Classification Sherloc (09022015). Collection method: clinical testing. Allele origin: germline.
Comment: In summary, the available evidence is currently insufficient to determine the role of this variant in disease. Therefore, it has been classified as a Variant of Uncertain Significance. Algorithms developed to predict the effect of missense changes on protein structure and function are either unavailable or do not agree on the potential impact of this missense change (SIFT: "Deleterious"; PolyPhen-2: "Not Available"; Align-GVGD: "Class C0"). This variant has not been reported in the literature in individuals affected with PCLO-related conditions. This variant is present in population databases (no rsID available, gnomAD 0.002%). This sequence change replaces methionine, which is neutral and non-polar, with threonine, which is neutral and polar, at codon 3139 of the PCLO protein (p.Met3139Thr).

NM_033026.6(PCLO):c.9416T>C (p.Met3139Thr)

Gene: PCLO (piccolo presynaptic cytomatrix protein; minus strand). Cytogenetic location: 7q21.11.
Variant type: single nucleotide variant.
Coding change: c.9416T>C on transcript NM_033026.6 (MANE Select); coding-DNA position 9416, T replaced by C.
Protein change: p.Met3139Thr; replaces methionine 3139 with threonine.
Molecular consequence: missense variant.
Genome position (GRCh38, 1-based): chr7:82,951,172, A>G on the plus strand (T>C on the coding strand, the complement: PCLO is on the minus strand). VCF-style: chr7-82951172-A-G. GRCh37 (hg19) VCF-style: chr7-82580488-A-G.
Other names: c.9416T>C, p.Met3139Thr (NM_014510.3); short protein forms M3139T.
Identifiers: ClinVar variation 2191990 (VCV002191990.4), dbSNP rs1359768808, ClinGen allele CA367908541.
Genomic context (GRCh38, chr7:82,951,172, plus strand): 5'-ATACCAGTTACTGCAATGTCCGTTTCAGATGCACCTGTTGTTATAAAATATGATCTAGGC[A>G]TTGGCTGGCTATGGTGCATGGCAGGTAATGAAGTCACTGCATCAGCCGTATGAATACCAG-3'
Protein context (NP_149015.2, residues 3129-3149): SLPAMHHSQP[Met3139Thr]PRSYFITTGA